The following is an entry in ClinVar:

NM_021830.5(TWNK):c.1897A>G (p.Lys633Glu)

Gene: TWNK (twinkle mtDNA helicase; plus strand). Cytogenetic location: 10q24.31.
Variant type: single nucleotide variant.
Coding change: c.1897A>G on transcript NM_021830.5 (MANE Select); coding-DNA position 1897, A replaced by G.
Protein change: p.Lys633Glu; replaces lysine 633 with glutamic acid.
Molecular consequence: missense variant. On other transcripts: 3 prime UTR variant (2), non-coding transcript variant (5).
Genome position (GRCh38, 1-based): chr10:100,993,352, A>G. VCF-style: chr10-100993352-A-G. GRCh37 (hg19) VCF-style: chr10-102753109-A-G.
Other names: c.*192A>G (NM_001163812.2, NM_001163814.2); c.535A>G, p.Lys179Glu (NM_001163813.2, NM_001368275.1); short protein forms K633E, K179E.
Identifiers: ClinVar variation 4709609 (VCV004709609.1).

ClinVar aggregate classification (germline): Uncertain significance (1 of 4 stars; one submission).

Submission:

Labcorp Genetics (formerly Invitae), Labcorp
Classification: Uncertain significance. Last evaluated: 2025-05-22. Review status: criteria provided, single submitter. Criteria: Invitae Variant Classification Sherloc (09022015). Collection method: clinical testing. Allele origin: germline.
Comment: This sequence change replaces lysine, which is basic and polar, with glutamic acid, which is acidic and polar, at codon 633 of the TWNK protein (p.Lys633Glu). This variant is not present in population databases (gnomAD no frequency). This variant has not been reported in the literature in individuals affected with TWNK-related conditions. Invitae Evidence Modeling of protein sequence and biophysical properties (such as structural, functional, and spatial information, amino acid conservation, physicochemical variation, residue mobility, and thermodynamic stability) has been performed for this missense variant. However, the output from this modeling did not meet the statistical confidence thresholds required to predict the impact of this variant on TWNK protein function. In summary, the available evidence is currently insufficient to determine the role of this variant in disease. Therefore, it has been classified as a Variant of Uncertain Significance.